The following is an entry in ClinVar:

NM_022725.4(FANCF):c.281C>T (p.Ser94Phe)

Gene: FANCF (FA complementation group F; minus strand). Cytogenetic location: 11p14.3.
Variant type: single nucleotide variant.
Coding change: c.281C>T on transcript NM_022725.4 (MANE Select); coding-DNA position 281, C replaced by T.
Protein change: p.Ser94Phe; replaces serine 94 with phenylalanine.
Molecular consequence: missense variant.
Genome position (GRCh38, 1-based): chr11:22,625,530, G>A on the plus strand (C>T on the coding strand, the complement: FANCF is on the minus strand). VCF-style: chr11-22625530-G-A. GRCh37 (hg19) VCF-style: chr11-22647076-G-A.
Other names: short protein forms S94F.
Identifiers: ClinVar variation 1691926 (VCV001691926.2), dbSNP rs1454810693, ClinGen allele CA380059350.

ClinVar aggregate classification (germline): Uncertain significance. Review status: criteria provided, multiple submitters, no conflicts (2 of 4 stars). 2 submissions from 2 submitters: Uncertain significance (2). Last evaluated 2025-12-06.

Conditions:
Fanconi anemia (FA). Also called: Fanconi's anemia. Identifiers: Orphanet 84, MedGen C0015625, MeSH D005199, MONDO:0019391.

gnomAD v4.1: 2 of 1,614,090 alleles (0.00012%); highest among the groups gnomAD compares: Non-Finnish European, 0.00017%; no homozygotes.

Submissions (2):

Labcorp Genetics (formerly Invitae), Labcorp
Classification: Uncertain significance for Fanconi anemia. Last evaluated: 2025-12-06. Review status: criteria provided, single submitter. Criteria: Invitae Variant Classification Sherloc (09022015). Collection method: clinical testing. Allele origin: germline.
Comment: This sequence change replaces serine, which is neutral and polar, with phenylalanine, which is neutral and non-polar, at codon 94 of the FANCF protein (p.Ser94Phe). This variant is present in population databases (no rsID available, gnomAD 0.007%). This variant has not been reported in the literature in individuals affected with FANCF-related conditions. ClinVar contains an entry for this variant (Variation ID: 1691926). Invitae Evidence Modeling of protein sequence and biophysical properties (such as structural, functional, and spatial information, amino acid conservation, physicochemical variation, residue mobility, and thermodynamic stability) indicates that this missense variant is not expected to disrupt FANCF protein function with a negative predictive value of 80%. In summary, the available evidence is currently insufficient to determine the role of this variant in disease. Therefore, it has been classified as a Variant of Uncertain Significance.

Sema4
Classification: Uncertain significance for Fanconi anemia. Last evaluated: 2022-01-24. Review status: criteria provided, single submitter. Criteria: Sema4 Curation Guidelines. Collection method: curation. Allele origin: germline.
Comment: The FANCF c.281C>T (p.S94F) variant has not been reported in the literature to our knowledge. It was observed in 1/31396 chromosomes across all populations, in the large and broad cohorts of the Genome Aggregation Database (PMID: 32461654). This variant has not been reported in ClinVar. Functional studies have not been performed, and in silico predictions of the variant's effect on protein function are inconclusive. The evidence is insufficient to meet ACMG/AMP criteria for classifying the variant as benign or pathogenic. Thus, the clinical significance of this variant is currently uncertain.